The following is an entry in ClinVar:

NM_001018115.3(FANCD2):c.1663A>G (p.Met555Val)

Genes: FANCD2 (FA complementation group D2; plus strand), LOC107303338 (3p25 FANCD2 Alu-mediated recombination region; plus strand). Cytogenetic location: 3p25.3.
Variant type: single nucleotide variant.
Coding change: c.1663A>G on transcript NM_001018115.3 (MANE Select); coding-DNA position 1663, A replaced by G.
Protein change: p.Met555Val; replaces methionine 555 with valine.
Molecular consequence: missense variant.
Genome position (GRCh38, 1-based): chr3:10,060,300, A>G. VCF-style: chr3-10060300-A-G. GRCh37 (hg19) VCF-style: chr3-10101984-A-G.
Other names: c.1663A>G, p.Met555Val (NM_001319984.2, NM_001374254.1, NM_033084.6); c.1552A>G, p.Met518Val (NM_001374253.1); short protein forms M555V, M518V.
Identifiers: ClinVar variation 2155759 (VCV002155759.1), dbSNP rs756558044, ClinGen allele CA2249759.

ClinVar aggregate classification (germline): Uncertain significance (1 of 4 stars; one submission).

Conditions:
Fanconi anemia (FA). Also called: Fanconi's anemia. Identifiers: Orphanet 84, MedGen C0015625, MeSH D005199, MONDO:0019391.

Allele frequency attached by ClinVar (database versions not stated): gnomAD 0.00001; TOPMed 0.00001; gnomAD exomes 0.00002; ExAC 0.00003.
gnomAD v4.1: 27 of 1,608,246 alleles (0.0017%); highest among the groups gnomAD compares: South Asian, 0.0099%; no homozygotes.

Submission:

Labcorp Genetics (formerly Invitae), Labcorp
Classification: Uncertain significance for Fanconi anemia. Last evaluated: 2022-07-17. Review status: criteria provided, single submitter. Criteria: Invitae Variant Classification Sherloc (09022015). Collection method: clinical testing. Allele origin: germline.
Comment: This sequence change replaces methionine, which is neutral and non-polar, with valine, which is neutral and non-polar, at codon 555 of the FANCD2 protein (p.Met555Val). This variant is present in population databases (rs756558044, gnomAD 0.003%). This variant has not been reported in the literature in individuals affected with FANCD2-related conditions. Algorithms developed to predict the effect of missense changes on protein structure and function (SIFT, PolyPhen-2, Align-GVGD) all suggest that this variant is likely to be tolerated. In summary, the available evidence is currently insufficient to determine the role of this variant in disease. Therefore, it has been classified as a Variant of Uncertain Significance.